The following is an entry in ClinVar:

ClinVar aggregate classification (germline): Uncertain significance (1 of 4 stars; one submission).

Allele frequency attached by ClinVar (database versions not stated): TOPMed below 0.00001; gnomAD 0.00001.
gnomAD v4.1: 3 of 1,614,024 alleles (0.00019%); highest among the groups gnomAD compares: Non-Finnish European, 0.00017%; no homozygotes.

Submission:

Ambry Genetics
Classification: Uncertain significance. Last evaluated: 2021-07-08. Review status: criteria provided, single submitter. Criteria: Ambry Variant Classification Scheme 2023. Collection method: clinical testing. Allele origin: germline.
Comment: The p.R608T variant (also known as c.1823G>C), located in coding exon 9 of the PALLD gene, results from a G to C substitution at nucleotide position 1823. The arginine at codon 608 is replaced by threonine, an amino acid with similar properties. This amino acid position is conserved. In addition, this alteration is predicted to be tolerated by in silico analysis. Since supporting evidence is limited at this time, the clinical significance of this alteration remains unclear.

NM_001166108.2(PALLD):c.1823G>C (p.Arg608Thr)

Gene: PALLD (palladin, cytoskeletal associated protein; plus strand). Cytogenetic location: 4q32.3.
Variant type: single nucleotide variant.
Coding change: c.1823G>C on transcript NM_001166108.2 (MANE Select); coding-DNA position 1823, G replaced by C.
Protein change: p.Arg608Thr; replaces arginine 608 with threonine.
Molecular consequence: missense variant.
Genome position (GRCh38, 1-based): chr4:168,711,782, G>C. VCF-style: chr4-168711782-G-C. GRCh37 (hg19) VCF-style: chr4-169632933-G-C.
Other names: c.677G>C, p.Arg226Thr (NM_001166109.2); c.1823G>C, p.Arg608Thr (NM_016081.4); short protein forms R226T, R608T.
Identifiers: ClinVar variation 1780801 (VCV001780801.2), dbSNP rs1367099831, ClinGen allele CA358798415.